The following is an entry in ClinVar:

NM_014285.7(EXOSC2):c.672+3G>A

Gene: EXOSC2 (exosome component 2; plus strand). Cytogenetic location: 9q34.12.
Variant type: single nucleotide variant.
Coding change: c.672+3G>A on transcript NM_014285.7 (MANE Select); 3 bases into the intron after coding-DNA position 672, G replaced by A.
Molecular consequence: intron variant.
Genome position (GRCh38, 1-based): chr9:130,702,313, G>A. VCF-style: chr9-130702313-G-A. GRCh37 (hg19) VCF-style: chr9-133577700-G-A.
Other names: c.594+3G>A (NM_001282708.1); c.582+3G>A (NM_001282709.1).
Identifiers: ClinVar variation 1948364 (VCV001948364.5), dbSNP rs2490801292, ClinGen allele CA2580079834.
Genomic context (GRCh38, chr9:130,702,313, plus strand): 5'-TTACCCAACACCTGAGCACAAAGAAGAGGAAGCAGGGGGCTTCATTGCAAACCTGGAGGT[G>A]AGCAAACACTGTGGCCATTTTCAGTGGGATGGAGGGGGCTCAGTCTTTGCTGTGTTTTTG-3'

ClinVar aggregate classification (germline): Uncertain significance (1 of 4 stars; one submission).

Submission:

Labcorp Genetics (formerly Invitae), Labcorp
Classification: Uncertain significance. Last evaluated: 2022-03-20. Review status: criteria provided, single submitter. Criteria: Invitae Variant Classification Sherloc (09022015). Collection method: clinical testing. Allele origin: germline.
Comment: In summary, the available evidence is currently insufficient to determine the role of this variant in disease. Therefore, it has been classified as a Variant of Uncertain Significance. Variants that disrupt the consensus splice site are a relatively common cause of aberrant splicing (PMID: 17576681, 9536098). Algorithms developed to predict the effect of sequence changes on RNA splicing suggest that this variant is not likely to affect RNA splicing. This variant has not been reported in the literature in individuals affected with EXOSC2-related conditions. This variant is not present in population databases (gnomAD no frequency). This sequence change falls in intron 7 of the EXOSC2 gene. It does not directly change the encoded amino acid sequence of the EXOSC2 protein. It affects a nucleotide within the consensus splice site.

Literature cited by the submitters: PubMed 17576681; PubMed 9536098.